The following is an entry in ClinVar:

NM_001211.6(BUB1B):c.640G>A (p.Glu214Lys)

Gene: BUB1B (BUB1 mitotic checkpoint serine/threonine kinase B; plus strand). Cytogenetic location: 15q15.1.
Variant type: single nucleotide variant.
Coding change: c.640G>A on transcript NM_001211.6 (MANE Select); coding-DNA position 640, G replaced by A.
Protein change: p.Glu214Lys; replaces glutamic acid 214 with lysine.
Molecular consequence: missense variant.
Genome position (GRCh38, 1-based): chr15:40,183,772, G>A. VCF-style: chr15-40183772-G-A. GRCh37 (hg19) VCF-style: chr15-40475973-G-A.
Other names: short protein forms E214K.
Identifiers: ClinVar variation 3483245 (VCV003483245.1).

ClinVar aggregate classification (germline): Uncertain significance (1 of 4 stars; one submission).

Conditions:
Inborn genetic diseases. Identifiers: MedGen C0950123, MeSH D030342.

Submission:

Ambry Genetics
Classification: Uncertain significance for Inborn genetic diseases. Last evaluated: 2024-11-26. Review status: criteria provided, single submitter. Criteria: Ambry Variant Classification Scheme 2023. Collection method: clinical testing. Allele origin: germline.
Comment: The p.E214K variant (also known as c.640G>A), located in coding exon 6 of the BUB1B gene, results from a G to A substitution at nucleotide position 640. The glutamic acid at codon 214 is replaced by lysine, an amino acid with similar properties. This amino acid position is conserved. In addition, this alteration is predicted to be tolerated by in silico analysis. Based on the available evidence, the clinical significance of this variant remains unclear.